The following is an entry in ClinVar:

NM_001159773.2(CANT1):c.7G>A (p.Val3Met)

Gene: CANT1 (calcium activated nucleotidase 1; minus strand). Cytogenetic location: 17q25.3.
Variant type: single nucleotide variant.
Coding change: c.7G>A on transcript NM_001159773.2 (MANE Select); coding-DNA position 7, G replaced by A.
Protein change: p.Val3Met; replaces valine 3 with methionine.
Molecular consequence: missense variant.
Genome position (GRCh38, 1-based): chr17:78,997,616, C>T on the plus strand (G>A on the coding strand, the complement: CANT1 is on the minus strand). VCF-style: chr17-78997616-C-T. GRCh37 (hg19) VCF-style: chr17-76993698-C-T.
Other names: c.7G>A, p.Val3Met (NM_001159772.2, NM_138793.4); short protein forms V3M.
Identifiers: ClinVar variation 1515139 (VCV001515139.3), dbSNP rs748217733, ClinGen allele CA8808838.

ClinVar aggregate classification (germline): Uncertain significance (1 of 4 stars; one submission).

Allele frequency attached by ClinVar (database versions not stated): ExAC 0.00001; TOPMed below 0.00001.
gnomAD v4.1: 9 of 1,568,118 alleles (0.00057%); highest among the groups gnomAD compares: Admixed American, 0.0019%; no homozygotes.

Submission:

Labcorp Genetics (formerly Invitae), Labcorp
Classification: Uncertain significance. Last evaluated: 2022-09-13. Review status: criteria provided, single submitter. Criteria: Invitae Variant Classification Sherloc (09022015). Collection method: clinical testing. Allele origin: germline.
Comment: This sequence change replaces valine, which is neutral and non-polar, with methionine, which is neutral and non-polar, at codon 3 of the CANT1 protein (p.Val3Met). The frequency data for this variant in the population databases is considered unreliable, as metrics indicate poor data quality at this position in the gnomAD database. This variant has not been reported in the literature in individuals affected with CANT1-related conditions. ClinVar contains an entry for this variant (Variation ID: 1515139). Algorithms developed to predict the effect of missense changes on protein structure and function (SIFT, PolyPhen-2, Align-GVGD) all suggest that this variant is likely to be tolerated. In summary, the available evidence is currently insufficient to determine the role of this variant in disease. Therefore, it has been classified as a Variant of Uncertain Significance.